The following is an entry in ClinVar:

ClinVar aggregate classification (germline): Pathogenic (1 of 4 stars; one submission).

Conditions:
Osteogenesis imperfecta type I (OI1). Also called: Lobstein's Disease; Classic Non-deforming Osteogenesis Imperfecta with Blue Sclerae; Osteogenesis imperfecta type 1; Lobstein disease; OI, TYPE I; OSTEOGENESIS IMPERFECTA TARDA. Identifiers: Orphanet 216796, Orphanet 666, MedGen C0023931, MONDO:0008146, OMIM 166200. Disease mechanism: loss of function.

Submission:

Labcorp Genetics (formerly Invitae), Labcorp
Classification: Pathogenic for Osteogenesis imperfecta type I. Last evaluated: 2019-10-25. Review status: criteria provided, single submitter. Criteria: Invitae Variant Classification Sherloc (09022015). Collection method: clinical testing. Allele origin: germline.
Comment: This sequence change creates a premature translational stop signal (p.Arg1257Profs*75) in the COL1A1 gene. It is expected to result in an absent or disrupted protein product. This variant is not present in population databases (ExAC no frequency). This variant has not been reported in the literature in individuals with COL1A1-related conditions. Loss-of-function variants in COL1A1 are known to be pathogenic (PMID: 7942841, 9295084, 9443882). For these reasons, this variant has been classified as Pathogenic.

Literature cited by the submitters: PubMed 7942841; PubMed 9295084; PubMed 9443882.

NM_000088.4(COL1A1):c.3768_3769dup (p.Arg1257fs)

Gene: COL1A1 (collagen type I alpha 1 chain; minus strand). Cytogenetic location: 17q21.33.
Variant type: Duplication.
Coding change: c.3768_3769dup on transcript NM_000088.4 (MANE Select); coding-DNA positions 3768 to 3769, 2 bases duplicated (CC; older notation c.3768_3769dupCC).
Protein change: p.Arg1257fs; shifts the reading frame from arginine 1257.
Molecular consequence: frameshift variant.
Genome position (GRCh38, 1-based): chr17:50,186,685-50,186,686, GG duplicated on the plus strand (CC on the coding strand, the reverse complement: COL1A1 is on the minus strand); duplicating any 2 consecutive bases within chr17:50,186,685-50,186,687 gives the same sequence; the c. name uses the placement nearest the transcript's 3' end. VCF-style (leftmost placement, unchanged base first): chr17-50186684-C-CGG. GRCh37 (hg19) VCF-style: chr17-48264045-C-CGG.
Other names: short protein forms R1257fs.
Identifiers: ClinVar variation 972478 (VCV000972478.3), dbSNP rs1906559620, ClinGen allele CA1139665686.
Genomic context (GRCh38, chr17:50,186,684, plus strand): 5'-TAGGGCAGGCCCTCACCACTCTTCCAGTCAGAGTGGCACATCTTGAGGTCACGGCAGGTG[C>CGG]GGGCGGGGTTCTTGCGGCTGCCCTCTGGGCTCCGGATGTTCTCGATCTGCTGGCTCAGGC-3'